The following is an entry in ClinVar:

NM_001034116.2(EIF2B4):c.30G>A (p.Glu10=)

Gene: EIF2B4 (eukaryotic translation initiation factor 2B subunit delta; minus strand). Cytogenetic location: 2p23.3.
Variant type: single nucleotide variant.
Coding change: c.30G>A on transcript NM_001034116.2 (MANE Select); coding-DNA position 30, G replaced by A.
Protein change: p.Glu10=; no amino-acid change (glutamic acid 10 retained).
Molecular consequence: synonymous variant. On other transcripts: 5 prime UTR variant (3).
Genome position (GRCh38, 1-based): chr2:27,370,285, C>T on the plus strand (G>A on the coding strand, the complement: EIF2B4 is on the minus strand). VCF-style: chr2-27370285-C-T. GRCh37 (hg19) VCF-style: chr2-27593152-C-T.
Other names: c.-194G>A (NM_001318966.2); c.-57G>A (NM_001318967.2); c.-563G>A (NM_001318969.2); c.30G>A, p.Glu10= (NM_015636.4).
Identifiers: ClinVar variation 1935920 (VCV001935920.3), dbSNP rs759657701, ClinGen allele CA1577071.

ClinVar aggregate classification (germline): Uncertain significance (1 of 4 stars; one submission).

Allele frequency attached by ClinVar (database versions not stated): TOPMed 0.00001; ExAC 0.00006; gnomAD 0.00012.
gnomAD v4.1: 107 of 1,548,546 alleles (0.0069%); highest among the groups gnomAD compares: Non-Finnish European, 0.0025%; no homozygotes.

Submission:

Labcorp Genetics (formerly Invitae), Labcorp
Classification: Uncertain significance. Last evaluated: 2023-08-04. Review status: criteria provided, single submitter. Criteria: Invitae Variant Classification Sherloc (09022015). Collection method: clinical testing. Allele origin: germline.
Comment: Algorithms developed to predict the effect of sequence changes on RNA splicing suggest that this variant may disrupt the consensus splice site. In summary, the available evidence is currently insufficient to determine the role of this variant in disease. Therefore, it has been classified as a Variant of Uncertain Significance. ClinVar contains an entry for this variant (Variation ID: 1935920). This variant has not been reported in the literature in individuals affected with EIF2B4-related conditions. This variant is present in population databases (rs759657701, gnomAD 0.2%). This sequence change affects codon 10 of the EIF2B4 mRNA. It is a 'silent' change, meaning that it does not change the encoded amino acid sequence of the EIF2B4 protein. It affects a nucleotide within the consensus splice site.